The following is an entry in ClinVar:

ClinVar aggregate classification (germline): Uncertain significance (1 of 4 stars; one submission).

Allele frequency attached by ClinVar (database versions not stated): gnomAD 0.00001; TOPMed 0.00005.
gnomAD v4.1: 11 of 1,613,774 alleles (0.00068%); highest among the groups gnomAD compares: South Asian, 0.0044%; no homozygotes.

Submission:

Ambry Genetics
Classification: Uncertain significance. Last evaluated: 2025-07-21. Review status: criteria provided, single submitter. Criteria: Ambry Variant Classification Scheme 2023. Collection method: clinical testing. Allele origin: germline.
Comment: The p.A479T variant (also known as c.1435G>A), located in coding exon 8 of the PKP4 gene, results from a G to A substitution at nucleotide position 1435. The alanine at codon 479 is replaced by threonine, an amino acid with similar properties. This amino acid position is conserved. In addition, the in silico prediction for this alteration is inconclusive. Since supporting evidence is limited at this time, the clinical significance of this alteration remains unclear.

NM_003628.6(PKP4):c.1435G>A (p.Ala479Thr)

Gene: PKP4 (plakophilin 4; plus strand). Cytogenetic location: 2q24.1.
Variant type: single nucleotide variant.
Coding change: c.1435G>A on transcript NM_003628.6 (MANE Select); coding-DNA position 1435, G replaced by A.
Protein change: p.Ala479Thr; replaces alanine 479 with threonine.
Molecular consequence: missense variant.
Genome position (GRCh38, 1-based): chr2:158,634,162, G>A. VCF-style: chr2-158634162-G-A. GRCh37 (hg19) VCF-style: chr2-159490674-G-A.
Other names: c.1435G>A, p.Ala479Thr (NM_001005476.4, NM_001304971.2, NM_001377218.1 and 1 more transcripts); c.1432G>A, p.Ala478Thr (NM_001304969.3, NM_001377219.1, NM_001377220.1 and 2 more transcripts); c.406G>A, p.Ala136Thr (NM_001304970.3); c.1429G>A, p.Ala477Thr (NM_001377222.1, NM_001377223.1); c.1426G>A, p.Ala476Thr (NM_001377224.1); short protein forms A477T, A476T, A136T, A479T, A478T.
Identifiers: ClinVar variation 2561559 (VCV002561559.4), dbSNP rs779613250, ClinGen allele CA1920715.